The following is an entry in ClinVar:

NM_000466.3(PEX1):c.3308del (p.Gly1103fs)

Genes: GATAD1 (GATA zinc finger domain containing 1; plus strand), PEX1 (peroxisomal biogenesis factor 1; minus strand). Cytogenetic location: 7q21.2.
Variant type: Deletion.
Coding change: c.3308del on transcript NM_000466.3 (MANE Select); coding-DNA position 3308, one base deleted (G; older notation c.3308delG).
Protein change: p.Gly1103fs; shifts the reading frame from glycine 1103.
Molecular consequence: frameshift variant.
Genome position (GRCh38, 1-based): chr7:92,491,402, C deleted on the plus strand (G on the coding strand, the reverse complement: PEX1 is on the minus strand); the first of 2 consecutive C bases (chr7:92,491,402-92,491,403); deleting either gives the same sequence. VCF-style (leftmost placement, unchanged base first): chr7-92491401-GC-G. GRCh37 (hg19) VCF-style: chr7-92120715-GC-G.
Other names: c.3137del, p.Gly1046fs (NM_001282677.2); c.2684del, p.Gly895fs (NM_001282678.2); short protein forms G1046fs, G1103fs, G895fs.
Identifiers: ClinVar variation 1725879 (VCV001725879.3), dbSNP rs2484621346, ClinGen allele CA2580077509.

ClinVar aggregate classification (germline): Likely pathogenic (1 of 4 stars; one submission).

Conditions:
Peroxisome biogenesis disorder. Identifiers: Orphanet 79189, MedGen C1832200, MONDO:0019234. Disease mechanism: loss of function.

Submission:

Myriad Genetics, Inc.
Classification: Likely pathogenic for Peroxisome biogenesis disorder. Last evaluated: 2022-04-04. Review status: criteria provided, single submitter. Criteria: Myriad Autosomal Dominant, Autosomal Recessive and X-Linked Classification Criteria (2023). Collection method: clinical testing. Allele origin: unknown.
Comment: NM_000466.2(PEX1):c.3308delG(G1103Afs*2) is expected to be pathogenic in the context of peroxisome biogenesis disorder type 1. This variant is predicted to lead to an abnormal or absent protein product due to the creation of a premature termination codon in PEX1, a gene where loss-of-function variants are known to be pathogenic. Please note: this variant was assessed in the context of healthy population screening.